The following is an entry in ClinVar:

ClinVar aggregate classification (germline): Uncertain significance. Review status: criteria provided, multiple submitters, no conflicts (2 of 4 stars). 2 submissions from 2 submitters: Uncertain significance (2). Last evaluated 2025-08-13.

Conditions:
Inborn genetic diseases. Identifiers: MedGen C0950123, MeSH D030342.

Allele frequency attached by ClinVar (database versions not stated): gnomAD 0.00007; gnomAD exomes 0.00001; ExAC 0.00002; TOPMed 0.00009.
gnomAD v4.1: 22 of 1,613,200 alleles (0.0014%); highest among the groups gnomAD compares: African/African-American, 0.017%; no homozygotes.

Submissions (2):

GeneDx
Classification: Uncertain significance. Last evaluated: 2025-08-13. Review status: criteria provided, single submitter. Criteria: GeneDx Variant Classification Process June 2021. Collection method: clinical testing. Allele origin: germline. Affected: yes.
Comment: In silico analysis suggests that this missense variant does not alter protein structure/function; Has not been previously published as pathogenic or benign to our knowledge

Ambry Genetics
Classification: Uncertain significance for Inborn genetic diseases. Last evaluated: 2023-10-03. Review status: criteria provided, single submitter. Criteria: Ambry Variant Classification Scheme 2023. Collection method: clinical testing. Allele origin: germline.

NM_173689.7(CRB2):c.1229C>G (p.Thr410Ser)

Gene: CRB2 (crumbs cell polarity complex component 2; plus strand). Cytogenetic location: 9q33.3.
Variant type: single nucleotide variant.
Coding change: c.1229C>G on transcript NM_173689.7 (MANE Select); coding-DNA position 1229, C replaced by G.
Protein change: p.Thr410Ser; replaces threonine 410 with serine.
Molecular consequence: missense variant. On other transcripts: non-coding transcript variant (1).
Genome position (GRCh38, 1-based): chr9:123,370,282, C>G. VCF-style: chr9-123370282-C-G. GRCh37 (hg19) VCF-style: chr9-126132561-C-G.
Other names: c.1229C>G (NM_173689.6); short protein forms T410S.
Identifiers: ClinVar variation 3077257 (VCV003077257.2), dbSNP rs748454767, ClinGen allele CA5231931.